The following is an entry in ClinVar:

NM_001378454.1(ALMS1):c.11492T>G (p.Leu3831Arg)

Gene: ALMS1 (ALMS1 centrosome and basal body associated protein; plus strand). Cytogenetic location: 2p13.1.
Variant type: single nucleotide variant.
Coding change: c.11492T>G on transcript NM_001378454.1 (MANE Select); coding-DNA position 11492, T replaced by G.
Protein change: p.Leu3831Arg; replaces leucine 3831 with arginine.
Molecular consequence: missense variant.
Genome position (GRCh38, 1-based): chr2:73,573,369, T>G. VCF-style: chr2-73573369-T-G. GRCh37 (hg19) VCF-style: chr2-73800496-T-G.
Other names: c.11495T>G, p.Leu3832Arg (NM_015120.4); short protein forms L3832R, L3831R.
Identifiers: ClinVar variation 1411803 (VCV001411803.7), dbSNP rs777912782, ClinGen allele CA1715208.

ClinVar aggregate classification (germline): Uncertain significance. Review status: criteria provided, multiple submitters, no conflicts (2 of 4 stars). 2 submissions from 2 submitters: Uncertain significance (2). Last evaluated 2025-07-01.

Conditions:
Alstrom syndrome (ALMS). Identifiers: Orphanet 64, MedGen C0268425, MONDO:0008763, OMIM 203800.
Cardiovascular phenotype. Identifiers: MedGen CN230736.

Allele frequency attached by ClinVar (database versions not stated): ExAC 0.00001; gnomAD 0.00001; gnomAD exomes 0.00001; TOPMed 0.00001.
gnomAD v4.1: 12 of 1,613,996 alleles (0.00074%); highest among the groups gnomAD compares: Admixed American, 0.005%; no homozygotes.

Submissions (2):

Ambry Genetics
Classification: Uncertain significance for Cardiovascular phenotype. Last evaluated: 2025-07-01. Review status: criteria provided, single submitter. Criteria: Ambry Variant Classification Scheme 2023. Collection method: clinical testing. Allele origin: germline.
Comment: The p.L3832R variant (also known as c.11495T>G), located in coding exon 16 of the ALMS1 gene, results from a T to G substitution at nucleotide position 11495. The leucine at codon 3832 is replaced by arginine, an amino acid with dissimilar properties. This amino acid position is well conserved in available vertebrate species. In addition, the in silico prediction for this alteration is inconclusive. Since supporting evidence is limited at this time, the clinical significance of this alteration remains unclear.

Labcorp Genetics (formerly Invitae), Labcorp
Classification: Uncertain significance for Alstrom syndrome. Last evaluated: 2025-01-01. Review status: criteria provided, single submitter. Criteria: Invitae Variant Classification Sherloc (09022015). Collection method: clinical testing. Allele origin: germline.
Comment: This sequence change replaces leucine, which is neutral and non-polar, with arginine, which is basic and polar, at codon 3832 of the ALMS1 protein (p.Leu3832Arg). This variant is present in population databases (rs777912782, gnomAD 0.003%). This variant has not been reported in the literature in individuals affected with ALMS1-related conditions. ClinVar contains an entry for this variant (Variation ID: 1411803). Experimental studies and prediction algorithms are not available or were not evaluated, and the functional significance of this variant is currently unknown. In summary, the available evidence is currently insufficient to determine the role of this variant in disease. Therefore, it has been classified as a Variant of Uncertain Significance.